The following is an entry in ClinVar:

NM_198129.4(LAMA3):c.1226A>G (p.Tyr409Cys)

Gene: LAMA3 (laminin subunit alpha 3; plus strand). Cytogenetic location: 18q11.2.
Variant type: single nucleotide variant.
Coding change: c.1226A>G on transcript NM_198129.4 (MANE Select); coding-DNA position 1226, A replaced by G.
Protein change: p.Tyr409Cys; replaces tyrosine 409 with cysteine.
Molecular consequence: missense variant. On other transcripts: non-coding transcript variant (1).
Genome position (GRCh38, 1-based): chr18:23,773,540, A>G. VCF-style: chr18-23773540-A-G. GRCh37 (hg19) VCF-style: chr18-21353504-A-G.
Other names: c.1226A>G, p.Tyr409Cys (NM_001127717.4, NM_001302996.2); short protein forms Y409C.
Identifiers: ClinVar variation 3117420 (VCV003117420.3), dbSNP rs772750522, ClinGen allele CA8914517.

ClinVar aggregate classification (germline): Uncertain significance. Review status: criteria provided, multiple submitters, no conflicts (2 of 4 stars). 2 submissions from 2 submitters: Uncertain significance (2). Last evaluated 2023-11-28.

Conditions:
Laryngo-onycho-cutaneous syndrome (JEB2C). Also called: LOGIC SYNDROME; EPIDERMOLYSIS BULLOSA, JUNCTIONAL 2C, LARYNGOONYCHOCUTANEOUS; SHABBIR SYNDROME. Identifiers: Orphanet 2407, MedGen C1328355, MONDO:0009513, OMIM 245660.
Epidermolysis bullosa, junctional 2A, intermediate. Also called: EPIDERMOLYSIS BULLOSA, JUNCTIONAL 2A, NON-HERLITZ TYPE; EPIDERMOLYSIS BULLOSA, JUNCTIONAL 2A, GENERALIZED INTERMEDIATE. Identifiers: MedGen C5676936, MONDO:0030746, OMIM 619783.
Epidermolysis bullosa, junctional 2B, severe. Also called: EPIDERMOLYSIS BULLOSA, JUNCTIONAL 2B, GENERALIZED SEVERE; EPIDERMOLYSIS BULLOSA, JUNCTIONAL 2B, HERLITZ TYPE. Identifiers: MedGen C5676937, MONDO:0030747, OMIM 619784.
Inborn genetic diseases. Identifiers: MedGen C0950123, MeSH D030342.

Allele frequency attached by ClinVar (database versions not stated): gnomAD exomes below 0.00001; ExAC 0.00002; TOPMed 0.00004.
gnomAD v4.1: 6 of 1,599,570 alleles (0.00038%); highest among the groups gnomAD compares: East Asian, 0.013%; no homozygotes.

Submissions (2):

Ambry Genetics
Classification: Uncertain significance for Inborn genetic diseases. Last evaluated: 2023-11-28. Review status: criteria provided, single submitter. Criteria: Ambry Variant Classification Scheme 2023. Collection method: clinical testing. Allele origin: germline.

Juno Genomics, Hangzhou Juno Genomics, Inc
Classification: Uncertain significance for Epidermolysis bullosa, junctional 2A, intermediate; Epidermolysis bullosa, junctional 2B, severe; Laryngo-onycho-cutaneous syndrome. Review status: criteria provided, single submitter. Criteria: ACMG Guidelines, 2015. Collection method: clinical testing. Allele origin: germline.
Comment: Absent from controls (or at extremely low frequency if recessive) in Genome Aggregation Database.;Multiple lines of computational evidence support a deleterious effect on the gene or gene product.